The following is an entry in ClinVar:

NM_004168.4(SDHA):c.770+12A>G

Gene: SDHA (succinate dehydrogenase complex flavoprotein subunit A; plus strand). Cytogenetic location: 5p15.33.
Variant type: single nucleotide variant.
Coding change: c.770+12A>G on transcript NM_004168.4 (MANE Select); 12 bases into the intron after coding-DNA position 770, A replaced by G.
Molecular consequence: intron variant.
Genome position (GRCh38, 1-based): chr5:228,345, A>G. VCF-style: chr5-228345-A-G. GRCh37 (hg19) VCF-style: chr5-228460-A-G.
Other names: c.770+12A>G (NM_001330758.2); c.626+12A>G (NM_001294332.2).
Identifiers: ClinVar variation 371832 (VCV000371832.3), dbSNP rs201245536, ClinGen allele CA3172965.

ClinVar aggregate classification (germline): Likely benign. Review status: criteria provided, single submitter (1 of 4 stars). 2 submissions from 2 submitters: Likely benign (1). 1 of the submissions does not count toward it. Last evaluated 2017-10-24.

Conditions:
Pheochromocytoma/paraganglioma syndrome 5. Also called: Paragangliomas 5; SDHA-Related Hereditary Paraganglioma-Pheochromocytoma Syndrome. Identifiers: Orphanet 29072, MedGen C3279992, MONDO:0013602, OMIM 614165.

Allele frequency attached by ClinVar (database versions not stated): gnomAD exomes 0.00003 and 0.00004; ExAC 0.00004; gnomAD 0.00007; ESP Exome Variant Server 0.00008; TOPMed 0.00014; 1000 Genomes Project 30x 0.00016; 1000 Genomes Project 0.00020.
gnomAD v4.1: 61 of 1,591,370 alleles (0.0038%); highest among the groups gnomAD compares: Middle Eastern, 0.033%; no homozygotes.

Submissions (2):

GeneDx
Classification: Likely benign. Last evaluated: 2017-10-24. Review status: criteria provided, single submitter. Criteria: GeneDx Variant Classification (06012015). Collection method: clinical testing. Allele origin: germline. Affected: yes.
Comment: This variant is considered likely benign or benign based on one or more of the following criteria: it is a conservative change, it occurs at a poorly conserved position in the protein, it is predicted to be benign by multiple in silico algorithms, and/or has population frequency not consistent with disease.

Counsyl
Classification: Uncertain significance for Pheochromocytoma/paraganglioma syndrome 5. Last evaluated: 2016-03-17. Review status: no assertion criteria provided. Collection method: clinical testing. Allele origin: unknown. Not counted in ClinVar's aggregate classification.